The following is an entry in ClinVar:

ClinVar aggregate classification (germline): Uncertain significance (1 of 4 stars; one submission).

gnomAD v4.1: 19 of 1,579,928 alleles (0.0012%); highest among the groups gnomAD compares: African/African-American, 0.02%; no homozygotes.

Submission:

Labcorp Genetics (formerly Invitae), Labcorp
Classification: Uncertain significance. Last evaluated: 2024-11-19. Review status: criteria provided, single submitter. Criteria: Invitae Variant Classification Sherloc (09022015). Collection method: clinical testing. Allele origin: germline.
Comment: This sequence change falls in intron 16 of the SUCO gene. It does not directly change the encoded amino acid sequence of the SUCO protein. It affects a nucleotide within the consensus splice site. This variant is present in population databases (rs375429950, gnomAD 0.03%). This variant has not been reported in the literature in individuals affected with SUCO-related conditions. Variants that disrupt the consensus splice site are a relatively common cause of aberrant splicing (PMID: 17576681, 9536098). Algorithms developed to predict the effect of sequence changes on RNA splicing suggest that this variant is not likely to affect RNA splicing. In summary, the available evidence is currently insufficient to determine the role of this variant in disease. Therefore, it has been classified as a Variant of Uncertain Significance.

Literature cited by the submitters: PubMed 17576681; PubMed 9536098.

NM_014283.5(SUCO):c.1568-3T>C

Gene: SUCO (SUN domain containing ossification factor; plus strand). Cytogenetic location: 1q24.3.
Variant type: single nucleotide variant.
Coding change: c.1568-3T>C on transcript NM_014283.5 (MANE Select); 3 bases into the intron before coding-DNA position 1568, T replaced by C.
Molecular consequence: intron variant.
Genome position (GRCh38, 1-based): chr1:172,585,855, T>C. VCF-style: chr1-172585855-T-C. GRCh37 (hg19) VCF-style: chr1-172554995-T-C.
Other names: c.-31-2905T>C (NM_001282751.2); c.1457-3T>C (NM_001282750.2); c.2021-3T>C (NM_016227.4).
Identifiers: ClinVar variation 3625136 (VCV003625136.2).
Genomic context (GRCh38, chr1:172,585,855, plus strand): 5'-AAAATATTTTCATGGTACAGCTTTTAAAATTGAACTCAACATTGGGCATCTTTCTTAAAA[T>C]AGGAAATAAAAGTATATCTGAGAATGCCACTGCCACAGCTGCACCTAAAATGCCTGAATC-3'